The following is an entry in ClinVar:

ClinVar aggregate classification (germline): Benign/Likely benign. Review status: criteria provided, multiple submitters, no conflicts (2 of 4 stars). 6 submissions from 6 submitters: Benign (2); Likely benign (1). 3 of the submissions do not count toward it. Last evaluated 2026-01-20.

Conditions:
TUB-related disorder. Also called: TUB-related condition.

Allele frequency attached by ClinVar (database versions not stated): gnomAD exomes 0.00037 and 0.00057; ESP Exome Variant Server 0.00046; gnomAD 0.00046 and 0.00047; TOPMed 0.00048; ExAC 0.00056.
gnomAD v4.1: 653 of 1,614,148 alleles (0.04%); highest among the groups gnomAD compares: Middle Eastern, 0.49%; 1 homozygote.

Submissions (6):

Labcorp Genetics (formerly Invitae), Labcorp
Classification: Benign. Last evaluated: 2026-01-20. Review status: criteria provided, single submitter. Criteria: Invitae Variant Classification Sherloc (09022015). Collection method: clinical testing. Allele origin: germline.

Blueprint Genetics
Classification: Likely benign. Last evaluated: 2024-11-21. Review status: criteria provided, single submitter. Criteria: ACMG Guidelines, 2015. Collection method: clinical testing. Allele origin: germline.

Breakthrough Genomics
Classification: Benign. Review status: criteria provided, single submitter. Criteria: ACMG Guidelines, 2015. Collection method: not provided. Allele origin: germline. Inheritance: Autosomal recessive inheritance. Affected: yes.

PreventionGenetics, part of Exact Sciences
Classification: Benign for TUB-related condition. Last evaluated: 2021-09-08. Review status: no assertion criteria provided. Collection method: clinical testing. Allele origin: germline. Not counted in ClinVar's aggregate classification.
Comment: This variant is classified as benign based on ACMG/AMP sequence variant interpretation guidelines (Richards et al. 2015 PMID: 25741868, with internal and published modifications).

Clinical Genetics DNA and cytogenetics Diagnostics Lab, Erasmus MC, Erasmus Medical Center
Classification: Likely benign. Review status: no assertion criteria provided. Collection method: clinical testing. Allele origin: germline. Affected: yes. Study: VKGL Data-share Consensus. Not counted in ClinVar's aggregate classification.

Genome Diagnostics Laboratory, University Medical Center Utrecht
Classification: Benign. Review status: no assertion criteria provided. Collection method: clinical testing. Allele origin: germline. Affected: yes. Study: VKGL Data-share Consensus. Not counted in ClinVar's aggregate classification.

NM_177972.3(TUB):c.1386C>T (p.Asp462=)

Genes: RIC3 (RIC3 acetylcholine receptor chaperone; minus strand), TUB (TUB bipartite transcription factor; plus strand). Cytogenetic location: 11p15.4.
Variant type: single nucleotide variant.
Coding change: c.1386C>T on transcript NM_177972.3 (MANE Select); coding-DNA position 1386, C replaced by T.
Protein change: p.Asp462=; no amino-acid change (aspartic acid 462 retained).
Molecular consequence: synonymous variant.
Genome position (GRCh38, 1-based): chr11:8,100,996, C>T. VCF-style: chr11-8100996-C-T. GRCh37 (hg19) VCF-style: chr11-8122543-C-T.
Other names: c.1551C>T, p.Asp517= (NM_003320.5).
Identifiers: ClinVar variation 747050 (VCV000747050.15), dbSNP rs151125191, ClinGen allele CA5871474.
Genomic context (GRCh38, chr11:8,100,996, plus strand): 5'-CTTCCATGGGCGCGTCACACAGGCCTCCGTGAAGAACTTCCAGATCATCCATGGCAATGA[C>T]CGTGAGTGTTTCTGTCCCTACTCATTATGGTCCGTAGGATACCCAAGGCCCTTAGCGTAG-3'
Protein context (NP_813977.1, residues 452-472): VKNFQIIHGN[Asp462=]PDYIVMQFGR